The following is an entry in ClinVar:

NM_000038.6(APC):c.2804dup (p.Tyr935Ter)

Gene: APC (APC regulator of Wnt signaling pathway; plus strand). Cytogenetic location: 5q22.2.
Variant type: Duplication.
Coding change: c.2804dup on transcript NM_000038.6 (MANE Select); coding-DNA position 2804, one base duplicated (A; older notation c.2804dupA).
Protein change: p.Tyr935Ter; replaces tyrosine 935 with a stop codon.
Molecular consequence: nonsense.
Genome position (GRCh38, 1-based): chr5:112,838,398, A duplicated. VCF-style (leftmost placement, unchanged base first): chr5-112838397-T-TA. GRCh37 (hg19) VCF-style: chr5-112174094-T-TA.
Other names: p.Tyr935*; c.2804dup, p.Tyr935Ter (NM_001127510.3, NM_001354895.2); c.2750dup, p.Tyr917Ter (NM_001127511.3); c.2858dup, p.Tyr953Ter (NM_001354896.2); c.2834dup, p.Tyr945Ter (NM_001354897.2); c.2729dup, p.Tyr910Ter (NM_001354898.2); c.2720dup, p.Tyr907Ter (NM_001354899.2); c.2681dup, p.Tyr894Ter (NM_001354900.2); and 8 more; short protein forms Y834*, Y844*, Y894*, Y809*, Y910*, Y945*, Y953*, Y652*.
Identifiers: ClinVar variation 217954 (VCV000217954.27), dbSNP rs863225332, ClinGen allele CA279806.

ClinVar aggregate classification (germline): Pathogenic. Review status: criteria provided, multiple submitters, no conflicts (2 of 4 stars). 8 submissions from 8 submitters: Pathogenic (6). 2 of the submissions do not count toward it. Last evaluated 2026-09-02.
ClinVar aggregate classification (oncogenicity): Likely oncogenic (1 of 4 stars; one submission).

Conditions:
Hereditary cancer-predisposing syndrome. Also called: Hereditary Cancer Syndrome; Tumor predisposition; Neoplastic Syndromes, Hereditary; Hereditary neoplastic syndrome. Identifiers: Orphanet 140162, MedGen C0027672, MeSH D009386, MONDO:0015356.
Familial adenomatous polyposis 1 (FAP1). Also called: FAMILIAL ADENOMATOUS POLYPOSIS 1, ATTENUATED; POLYPOSIS, ADENOMATOUS INTESTINAL. Identifiers: MedGen C2713442, MONDO:0021056, OMIM 175100. Disease mechanism: loss of function.
Carcinoma of colon (CRC). Also called: Colonic carcinoma; Colon carcinoma. Identifiers: MedGen C0699790, MONDO:0002032.
Neoplasm. Also called: Neoplasms; Neoplasm (disease); tumor. Identifiers: MedGen C0027651, MeSH D009369, MONDO:0005070, HP:0002664.

Submissions (9):

GeneDx
Classification: Pathogenic. Last evaluated: 2026-09-02. Review status: criteria provided, single submitter. Criteria: GeneDx Variant Classification Process June 2021. Collection method: clinical testing. Allele origin: germline.
Comment: Nonsense variant predicted to result in protein truncation in a gene for which loss of function is a known mechanism of disease; Not observed at significant frequency in large population cohorts (gnomAD); This variant is associated with the following publications: (PMID: 15040027, 26837502, 28533537, 34897210, 10090483, 11592041, 16086312, 24518971, 23159591, 25590978, 11933206, 14961559, 20685668, 16890597, 27978560, 16292097, 12173026)

Labcorp Genetics (formerly Invitae), Labcorp
Classification: Pathogenic for Familial adenomatous polyposis 1. Last evaluated: 2025-10-07. Review status: criteria provided, single submitter. Criteria: Invitae Variant Classification Sherloc (09022015). Collection method: clinical testing. Allele origin: germline.
Comment: This sequence change creates a premature translational stop signal (p.Tyr935*) in the APC gene. While this is not anticipated to result in nonsense mediated decay, it is expected to disrupt the last 1909 amino acid(s) of the APC protein. This variant is not present in population databases (gnomAD no frequency). This premature translational stop signal has been observed in individual(s) with familial adenomatous polyposis (PMID: 10090483, 20685668, 23159591, 28533537). This variant is also known as c.2803insA. ClinVar contains an entry for this variant (Variation ID: 217954). This variant is expected to disrupt the EB1 and HDLG binding sites, which mediate interactions with the cytoskeleton (PMID: 15311282, 17293347). While functional studies have not been performed to directly test the effect on APC protein function, this suggests that disruption of the C-terminal portion of the protein is functionally important. A different truncation (p.Tyr2645Lysfs*14) that lies downstream of this variant has been determined to be pathogenic (PMID: 9824584, 1316610, 27081525, 8381579, 22135120, internal data). This suggests that deletion of this region of the APC protein is causative of disease. For these reasons, this variant has been classified as Pathogenic.

Clinical Genetics Laboratory, Skane University Hospital Lund
Classification: Pathogenic for Carcinoma of colon. Last evaluated: 2025-03-31. Review status: criteria provided, single submitter. Criteria: ACMG Guidelines, 2015. Collection method: clinical testing. Allele origin: germline. Affected: yes.
Comment: Classified as pathogenic according to the ClinGen InSiGHT Hereditary Colorectal Cancer/Polyposis Expert Panel Specifications to the ACMG/AMP Variant Interpretation Guidelines for APC Version 2.1.0: PVS1 + PS4_moderate + PM2_supporting

Center for Genomic Medicine, Rigshospitalet, Copenhagen University Hospital
Classification: Likely oncogenic for Neoplasm. Last evaluated: 2025-03-04. Review status: criteria provided, single submitter. Criteria: ClinGen/CGC/VICC Guidelines for Oncogenicity, 2022. Collection method: clinical testing. Allele origin: somatic. Affected: yes.

Myriad Genetics, Inc.
Classification: Pathogenic for Familial adenomatous polyposis 1. Last evaluated: 2023-02-15. Review status: criteria provided, single submitter. Criteria: Myriad Autosomal Dominant, Autosomal Recessive and X-Linked Classification Criteria (2023). Collection method: clinical testing. Allele origin: unknown.
Comment: This variant is considered pathogenic. This variant creates a termination codon and is predicted to result in premature protein truncation.

Ambry Genetics
Classification: Pathogenic for Hereditary cancer-predisposing syndrome. Last evaluated: 2022-10-05. Review status: criteria provided, single submitter. Criteria: Ambry Variant Classification Scheme 2023. Collection method: clinical testing. Allele origin: germline.
Comment: The c.2804dupA pathogenic mutation, located in coding exon 15 of the APC gene, results from a duplication of A at nucleotide position 2804, causing a translational frameshift with a predicted alternate stop codon (p.Y935*). This alteration occurs at the 3' terminus of the APC gene, is not expected to trigger nonsense-mediated mRNA decay, and impacts the last 1909 amino acids of the protein. However, premature stop codons are typically deleterious in nature and the impacted region is critical for protein function and a significant portion of the protein is affected (Ambry internal data). This mutation has been detected in multiple individuals with familial adenomatous polyposis (FAP) (Scarano MI et al. Hum Mutat. 1999;13(3):256-7; Khan N et al. Sci Rep, 2017 May;7:2214; Ambry internal data). This variant is considered to be rare based on population cohorts in the Genome Aggregation Database (gnomAD). Based on the supporting evidence, this alteration is interpreted as a disease-causing mutation.

Mayo Clinic Laboratories, Mayo Clinic
Classification: Pathogenic. Last evaluated: 2022-08-10. Review status: criteria provided, single submitter. Criteria: ACMG Guidelines, 2015. Collection method: clinical testing. Allele origin: germline. Observed: 2 variant alleles.
Comment: PP4, PM2, PVS1_strong

Counsyl
Classification: Likely pathogenic for Familial adenomatous polyposis 1. Last evaluated: 2016-02-25. Review status: no assertion criteria provided. Collection method: clinical testing. Allele origin: unknown. Not counted in ClinVar's aggregate classification.

Department of Pathology and Laboratory Medicine, Sinai Health System
Classification: Pathogenic for Carcinoma of colon. Review status: no assertion criteria provided. Collection method: clinical testing. Allele origin: unknown. Affected: yes. Study: The Canadian Open Genetics Repository (COGR). Not counted in ClinVar's aggregate classification.
Comment: The APC p.Tyr935X variant was identified in 1 of 80 proband chromosomes (frequency: 0.013) from individuals or families with FAP (De Rosa 2003). The variant was also identified in dbSNP (ID: rs863225332) as â€šÃ„ÃºWith Pathogenic alleleâ€šÃ„Ã¹, ClinVar (as pathogenic by Mayo and likely pathogenic by Counsyl), Clinvitae database (as pathogenic/likely pathogenic), COSMIC (3x large intestine carcinoma, 1x thyroid carcinoma), InSiGHT Colon Cancer Gene Variant Database (5x as pathogenic), and UMD (6x with a â€šÃ„Ãºcausalâ€šÃ„Ã¹ classification). This variant was not identified in Zhejiang Colon Cancer (LOVD), GeneInsight, MutDB, the 1000 Genomes Project, HAPMAP, the NHLBI GO Exome Sequencing Project, the genome Aggregation Database (beta, October 19th 2016), or the Exome Aggregation Consortium database (August 8th 2016) databases. The p.Tyr935X variant leads to a premature stop codon at position 935, which is predicted to lead to a truncated or absent protein and loss of function. Loss of function variants of the APC gene are an established mechanism of disease in familial adenomatous polyposis and is the type of variant expected to cause the disorder. In summary, based on the above information, this variant meets our laboratoryâ€šÃ„Ã´s criteria to be classified as pathogenic.

Literature cited by the submitters: PubMed 10090483 (cited by 3 submitters); PubMed 20685668 (cited by Labcorp Genetics (formerly Invitae), Labcorp and Counsyl); PubMed 23159591 (cited by Labcorp Genetics (formerly Invitae), Labcorp and Counsyl); PubMed 28533537 (cited by 3 submitters); PubMed 15311282 (cited by Labcorp Genetics (formerly Invitae), Labcorp); PubMed 17293347 (cited by Labcorp Genetics (formerly Invitae), Labcorp); PubMed 9824584 (cited by Labcorp Genetics (formerly Invitae), Labcorp); PubMed 1316610 (cited by Labcorp Genetics (formerly Invitae), Labcorp); PubMed 27081525 (cited by Labcorp Genetics (formerly Invitae), Labcorp); PubMed 8381579 (cited by Labcorp Genetics (formerly Invitae), Labcorp); PubMed 22135120 (cited by Labcorp Genetics (formerly Invitae), Labcorp); PubMed 34352208 (cited by Center for Genomic Medicine, Rigshospitalet, Copenhagen University Hospital); PubMed 14961559 (cited by 3 submitters); PubMed 24518971 (cited by Ambry Genetics and Counsyl); PubMed 22722829 (cited by Mayo Clinic Laboratories, Mayo Clinic); PubMed 16680592 (cited by Counsyl).